The following is an entry in ClinVar:

NM_001079802.2(FKTN):c.569_570del (p.Arg190fs)

Gene: FKTN (fukutin; plus strand). Cytogenetic location: 9q31.2.
Variant type: Microsatellite.
Coding change: c.569_570del on transcript NM_001079802.2 (MANE Select); coding-DNA positions 569 to 570, 2 bases deleted (GA; older notation c.569_570delGA).
Protein change: p.Arg190fs; shifts the reading frame from arginine 190.
Molecular consequence: frameshift variant. On other transcripts: non-coding transcript variant (2).
Genome position (GRCh38, 1-based): chr9:105,604,414-105,604,415, GA deleted; deleting any 2 consecutive bases within chr9:105,604,412-105,604,415 gives the same sequence; the c. name uses the placement nearest the transcript's 3' end. VCF-style (leftmost placement, unchanged base first): chr9-105604411-TGA-T. GRCh37 (hg19) VCF-style: chr9-108366692-TGA-T.
Other names: c.569_570del, p.Arg190fs (NM_001198963.2, NM_001351496.2, NM_001351498.2 and 1 more transcripts); c.500_501del, p.Arg167fs (NM_001351497.2); c.173_174del, p.Arg58fs (NM_001351499.2, NM_001351500.2, NM_001351501.2 and 1 more transcripts); short protein forms R167fs, R190fs, R58fs.
Identifiers: ClinVar variation 1724610 (VCV001724610.3), dbSNP rs2539411480, ClinGen allele CA2580616274.
Genomic context (GRCh38, chr9:105,604,411, plus strand): 5'-ATGCGATCCACTTGGTAGTCTTTCATGAGAGGAGTGGCAACTACCTCTGGCACGGCCACT[TGA>T]GACTTAAAGAACACATTGACAGGAAATTTGTTCCCTTCCGAAAGTTACAGTTTGGTCGTT-3'

ClinVar aggregate classification (germline): Likely pathogenic (1 of 4 stars; one submission).

Conditions:
Myopathy caused by variation in FKTN. Identifiers: MedGen CN305638, MONDO:0700067.

Submission:

Myriad Genetics, Inc.
Classification: Likely pathogenic for Myopathy caused by variation in FKTN. Last evaluated: 2022-02-21. Review status: criteria provided, single submitter. Criteria: Myriad Autosomal Dominant, Autosomal Recessive and X-Linked Classification Criteria (2023). Collection method: clinical testing. Allele origin: unknown.
Comment: NM_001079802.1(FKTN):c.569_570delGA(R190Tfs*2) is expected to be pathogenic in the context of FKTN-related disorders. This variant is predicted to lead to an abnormal or absent protein product due to the creation of a premature termination codon in FKTN, a gene where loss-of-function variants are known to be pathogenic. Please note: this variant was assessed in the context of healthy population screening.